The following is an entry in ClinVar:

NM_001943.5(DSG2):c.1622C>G (p.Ala541Gly)

Gene: DSG2 (desmoglein 2; plus strand). Cytogenetic location: 18q12.1.
Variant type: single nucleotide variant.
Coding change: c.1622C>G on transcript NM_001943.5 (MANE Select); coding-DNA position 1622, C replaced by G.
Protein change: p.Ala541Gly; replaces alanine 541 with glycine.
Molecular consequence: missense variant.
Genome position (GRCh38, 1-based): chr18:31,536,400, C>G. VCF-style: chr18-31536400-C-G. GRCh37 (hg19) VCF-style: chr18-29116363-C-G.
Other names: c.1622C>G (NM_001943.3); short protein forms A541G.
Identifiers: ClinVar variation 1347468 (VCV001347468.8), dbSNP rs764745535, ClinGen allele CA043055.

ClinVar aggregate classification (germline): Uncertain significance. Review status: criteria provided, multiple submitters, no conflicts (2 of 4 stars). 3 submissions from 3 submitters: Uncertain significance (3). Last evaluated 2025-07-02.

Conditions:
Arrhythmogenic right ventricular cardiomyopathy (ARVD). Also called: Cardiomyopathy, ARVC; Arrhythmogenic right ventricular dysplasia; Arrhythmogenic Right Ventricular Cardiomyopathy (ARVC); Arrhythmogenic cardiomyopathy. Identifiers: Orphanet 247, MedGen C0349788, MeSH D019571, MONDO:0016587. Disease mechanism: loss of function. Inheritance: Various modes of inheritance.
Cardiovascular phenotype. Identifiers: MedGen CN230736.
Arrhythmogenic right ventricular dysplasia 10. Also called: Arrhythmogenic right ventricular dysplasia/cardiomyopathy, type 10; Arrhythmogenic Right Ventricular Dysplasia/Cardiomyopathy10; ARRHYTHMOGENIC RIGHT VENTRICULAR DYSPLASIA, FAMILIAL, 10. Identifiers: MedGen C1857777, MONDO:0012434, OMIM 610193.

Allele frequency attached by ClinVar (database versions not stated): ExAC 0.00001; gnomAD exomes 0.00001.
gnomAD v4.1: 3 of 1,613,974 alleles (0.00019%); highest among the groups gnomAD compares: Admixed American, 0.005%; no homozygotes.

Submissions (3):

Labcorp Genetics (formerly Invitae), Labcorp
Classification: Uncertain significance for Arrhythmogenic right ventricular dysplasia 10. Last evaluated: 2025-07-02. Review status: criteria provided, single submitter. Criteria: Invitae Variant Classification Sherloc (09022015). Collection method: clinical testing. Allele origin: germline.
Comment: This sequence change replaces alanine, which is neutral and non-polar, with glycine, which is neutral and non-polar, at codon 541 of the DSG2 protein (p.Ala541Gly). This variant is present in population databases (rs764745535, gnomAD 0.009%). This variant has not been reported in the literature in individuals affected with DSG2-related conditions. ClinVar contains an entry for this variant (Variation ID: 1347468). Invitae Evidence Modeling of protein sequence and biophysical properties (such as structural, functional, and spatial information, amino acid conservation, physicochemical variation, residue mobility, and thermodynamic stability) indicates that this missense variant is not expected to disrupt DSG2 protein function with a negative predictive value of 95%. In summary, the available evidence is currently insufficient to determine the role of this variant in disease. Therefore, it has been classified as a Variant of Uncertain Significance.

All of Us Research Program, National Institutes of Health
Classification: Uncertain significance for Arrhythmogenic right ventricular cardiomyopathy. Last evaluated: 2023-11-20. Review status: criteria provided, single submitter. Criteria: ACMG Guidelines, 2015. Collection method: clinical testing. Allele origin: germline. Inheritance: Autosomal dominant inheritance. Observed: 2 variant alleles, 2 heterozygotes.
Comment: This missense variant replaces alanine with glycine at codon 541 of the DSG2 protein. Computational prediction suggests that this variant may not impact protein structure and function (internally defined REVEL score threshold <= 0.5, PMID: 27666373). To our knowledge, functional studies have not been reported for this variant. This variant has not been reported in individuals affected with DSG2-related disorders in the literature. This variant has been identified in 3/248966 chromosomes in the general population by the Genome Aggregation Database (gnomAD). The available evidence is insufficient to determine the role of this variant in disease conclusively. Therefore, this variant is classified as a Variant of Uncertain Significance.

This study involves interpretation of variants in research participants for the purpose of population health screening. Participant phenotype was not available at the time of variant classification. Additional details can be found in publication PMID: 35346344, PMCID: PMC8962531

Ambry Genetics
Classification: Uncertain significance for Cardiovascular phenotype. Last evaluated: 2023-05-26. Review status: criteria provided, single submitter. Criteria: Ambry Variant Classification Scheme 2023. Collection method: clinical testing. Allele origin: germline.
Comment: The p.A541G variant (also known as c.1622C>G), located in coding exon 11 of the DSG2 gene, results from a C to G substitution at nucleotide position 1622. The alanine at codon 541 is replaced by glycine, an amino acid with similar properties. This amino acid position is conserved. In addition, this alteration is predicted to be tolerated by in silico analysis. Since supporting evidence is limited at this time, the clinical significance of this alteration remains unclear.